The following is an entry in ClinVar:

ClinVar aggregate classification (germline): Likely pathogenic (1 of 4 stars; one submission).

Allele frequency attached by ClinVar (database versions not stated): gnomAD exomes 0.00001.
gnomAD v4.1: 14 of 1,613,786 alleles (0.00087%); highest among the groups gnomAD compares: Non-Finnish European, 0.0012%; no homozygotes.

Submission:

Labcorp Genetics (formerly Invitae), Labcorp
Classification: Likely pathogenic. Last evaluated: 2023-09-01. Review status: criteria provided, single submitter. Criteria: Invitae Variant Classification Sherloc (09022015). Collection method: clinical testing. Allele origin: germline.
Comment: Algorithms developed to predict the effect of sequence changes on RNA splicing suggest that this variant may create or strengthen a splice site. In summary, the currently available evidence indicates that the variant is pathogenic, but additional data are needed to prove that conclusively. Therefore, this variant has been classified as Likely Pathogenic. This variant has not been reported in the literature in individuals affected with PCNT-related conditions. This sequence change affects an acceptor splice site in intron 44 of the PCNT gene. It is expected to disrupt RNA splicing. Variants that disrupt the donor or acceptor splice site typically lead to a loss of protein function (PMID: 16199547), and loss-of-function variants in PCNT are known to be pathogenic (PMID: 18174396, 22821869). This variant is not present in population databases (gnomAD no frequency).

Literature cited by the submitters: PubMed 16199547; PubMed 18174396; PubMed 22821869.

NM_006031.6(PCNT):c.9701-1G>A

Gene: PCNT (pericentrin; plus strand). Cytogenetic location: 21q22.3.
Variant type: single nucleotide variant.
Coding change: c.9701-1G>A on transcript NM_006031.6 (MANE Select); the canonical splice acceptor site of the intron before coding-DNA position 9701, G replaced by A.
Molecular consequence: splice acceptor variant.
Genome position (GRCh38, 1-based): chr21:46,443,809, G>A. VCF-style: chr21-46443809-G-A. GRCh37 (hg19) VCF-style: chr21-47863722-G-A.
Other names: c.9110-1G>A (NM_001315529.2).
Identifiers: ClinVar variation 2757165 (VCV002757165.3), dbSNP rs2519159409, ClinGen allele CA410579257.